The following is an entry in ClinVar:

NM_201631.4(TGM5):c.125C>A (p.Thr42Asn)

Gene: TGM5 (transglutaminase 5; minus strand). Cytogenetic location: 15q15.2.
Variant type: single nucleotide variant.
Coding change: c.125C>A on transcript NM_201631.4 (MANE Select); coding-DNA position 125, C replaced by A.
Protein change: p.Thr42Asn; replaces threonine 42 with asparagine.
Molecular consequence: missense variant.
Genome position (GRCh38, 1-based): chr15:43,260,465, G>T on the plus strand (C>A on the coding strand, the complement: TGM5 is on the minus strand). VCF-style: chr15-43260465-G-T. GRCh37 (hg19) VCF-style: chr15-43552663-G-T.
Other names: c.125C>A, p.Thr42Asn (NM_004245.4); short protein forms T42N.
Identifiers: ClinVar variation 778097 (VCV000778097.21), dbSNP rs148913728, ClinGen allele CA7521435.
Genomic context (GRCh38, chr15:43,260,465, plus strand): 5'-TCAACCACGAAGATGATGTTGTCCAGGCCTGGCTGGAAGCTCCGGTTCCTGAAGTACAGG[G>T]TGAGGTTGAAGGCCTGGCCCCGGCGAACAAGCAGGTGGTCCACAGTGATCTCCTCCGTGT-3'
Protein context (NP_963925.2, residues 32-52): LVRRGQAFNL[Thr42Asn]LYFRNRSFQP

ClinVar aggregate classification (germline): Conflicting classifications of pathogenicity. Review status: criteria provided, conflicting classifications (1 of 4 stars). 5 submissions from 5 submitters: Uncertain significance (2); Likely benign (2). 1 of the submissions does not count toward it. Last evaluated 2025-08-01.

Conditions:
Acral peeling skin syndrome. Also called: Peeling skin syndrome 2. Identifiers: Orphanet 263534, MedGen C1853354, MONDO:0012345, OMIM 609796.
TGM5-related disorder. Also called: TGM5-related condition.

Allele frequency attached by ClinVar (database versions not stated): 1000 Genomes Project 30x 0.00109; 1000 Genomes Project 0.00120; TOPMed 0.00172; ExAC 0.00203; gnomAD 0.00204 and 0.00206; ESP Exome Variant Server 0.00246.
gnomAD v4.1: 3,935 of 1,614,196 alleles (0.24%); highest among the groups gnomAD compares: Non-Finnish European, 0.28%; 10 homozygotes.

Submissions (5):

CeGaT Center for Human Genetics Tuebingen
Classification: Likely benign. Last evaluated: 2025-08-01. Review status: criteria provided, single submitter. Criteria: CeGaT Center For Human Genetics Tuebingen Variant Classification Criteria Version 2. Collection method: clinical testing. Allele origin: germline. Affected: yes. Observed: 2 variant alleles.
Comment: TGM5: BP4, BS2

Blueprint Genetics
Classification: Uncertain significance. Last evaluated: 2024-11-07. Review status: criteria provided, single submitter. Criteria: ACMG Guidelines, 2015. Collection method: clinical testing. Allele origin: germline.

Labcorp Genetics (formerly Invitae), Labcorp
Classification: Likely benign. Last evaluated: 2019-12-31. Review status: criteria provided, single submitter. Criteria: Invitae Variant Classification Sherloc (09022015). Collection method: clinical testing. Allele origin: germline.

Illumina Laboratory Services, Illumina
Classification: Uncertain significance for Acral peeling skin syndrome. Last evaluated: 2017-04-27. Review status: criteria provided, single submitter. Criteria: ICSL Variant Classification Criteria 13 December 2019. Collection method: clinical testing. Allele origin: germline.

PreventionGenetics, part of Exact Sciences
Classification: Likely benign for TGM5-related condition. Last evaluated: 2023-03-06. Review status: no assertion criteria provided. Collection method: clinical testing. Allele origin: germline. Not counted in ClinVar's aggregate classification.
Comment: This variant is classified as likely benign based on ACMG/AMP sequence variant interpretation guidelines (Richards et al. 2015 PMID: 25741868, with internal and published modifications).